The following is an entry in ClinVar:

NM_001127511.3(APC):c.-195A>G

Genes: APC (APC regulator of Wnt signaling pathway; plus strand), LOC129994371 (ATAC-STARR-seq lymphoblastoid active region 22910; plus strand). Cytogenetic location: 5q22.2.
Variant type: single nucleotide variant.
Coding change: c.-195A>G on transcript NM_001127511.3; 195 bases upstream of the start codon, A replaced by G.
Molecular consequence: 5 prime UTR variant. On other transcripts: non-coding transcript variant (2).
Genome position (GRCh38, 1-based): chr5:112,707,523, A>G. VCF-style: chr5-112707523-A-G. GRCh37 (hg19) VCF-style: chr5-112043220-A-G.
Other names: c.-378A>G (NM_001354895.2, NM_001407447.1, NM_001407452.1 and 3 more transcripts); c.-195A>G (NM_001354897.2, NM_001354902.2, NM_001407446.1); c.-145A>G (NM_001407448.1, NM_001407450.1, NM_001407457.1 and 1 more transcripts); c.-169A>G (NM_001407453.1); c.-1413A>G (NM_001407470.1, NM_001407472.1).
Identifiers: ClinVar variation 4753004 (VCV004753004.1).

ClinVar aggregate classification (germline): Uncertain significance (1 of 4 stars; one submission).

Conditions:
Familial adenomatous polyposis 1 (FAP1). Also called: POLYPOSIS, ADENOMATOUS INTESTINAL; FAMILIAL ADENOMATOUS POLYPOSIS 1, ATTENUATED. Identifiers: MedGen C2713442, MONDO:0021056, OMIM 175100. Disease mechanism: loss of function.

Submission:

Labcorp Genetics (formerly Invitae), Labcorp
Classification: Uncertain significance for Familial adenomatous polyposis 1. Last evaluated: 2025-11-05. Review status: criteria provided, single submitter. Criteria: Invitae Variant Classification Sherloc (09022015). Collection method: clinical testing. Allele origin: germline.
Comment: This variant occurs in a non-coding region of the APC gene. It does not change the encoded amino acid sequence of the APC protein. This variant is not present in population databases (gnomAD no frequency). This variant has not been reported in the literature in individuals affected with APC-related conditions. Experimental studies and prediction algorithms are not available or were not evaluated, and the functional significance of this variant is currently unknown. In summary, the available evidence is currently insufficient to determine the role of this variant in disease. Therefore, it has been classified as a Variant of Uncertain Significance.